The following is an entry in ClinVar:

ClinVar aggregate classification (germline): Benign. Review status: criteria provided, multiple submitters, no conflicts (2 of 4 stars). 3 submissions from 3 submitters: Benign (2). 1 of the submissions does not count toward it. Last evaluated 2026-02-01.

Conditions:
TRMT10A-related disorder. Also called: TRMT10A-related condition.

Allele frequency attached by ClinVar (database versions not stated): gnomAD 0.07102 and 0.07425; gnomAD exomes 0.04212 and 0.04408; 1000 Genomes Project 30x 0.07339; ESP Exome Variant Server 0.07940; ExAC 0.04975; TOPMed 0.07613; 1000 Genomes Project 0.07129.
gnomAD v4.1: 71,330 of 1,582,278 alleles (4.5%); highest among the groups gnomAD compares: African/African-American, 16%; 2,332 homozygotes.

Submissions (3):

Labcorp Genetics (formerly Invitae), Labcorp
Classification: Benign. Last evaluated: 2026-02-01. Review status: criteria provided, single submitter. Criteria: Invitae Variant Classification Sherloc (09022015). Collection method: clinical testing. Allele origin: germline.

Breakthrough Genomics
Classification: Benign. Review status: criteria provided, single submitter. Criteria: ACMG Guidelines, 2015. Collection method: not provided. Allele origin: germline. Inheritance: Autosomal recessive inheritance. Affected: yes.

PreventionGenetics, part of Exact Sciences
Classification: Benign for TRMT10A-related condition. Last evaluated: 2019-06-25. Review status: no assertion criteria provided. Collection method: clinical testing. Allele origin: germline. Not counted in ClinVar's aggregate classification.
Comment: This variant is classified as benign based on ACMG/AMP sequence variant interpretation guidelines (Richards et al. 2015 PMID: 25741868, with internal and published modifications).

NM_001134665.3(TRMT10A):c.186-10C>T

Gene: TRMT10A (tRNA methyltransferase 10A; minus strand). Cytogenetic location: 4q23.
Variant type: single nucleotide variant.
Coding change: c.186-10C>T on transcript NM_001134665.3 (MANE Select); 10 bases into the intron before coding-DNA position 186, C replaced by T.
Molecular consequence: intron variant.
Genome position (GRCh38, 1-based): chr4:99,558,221, G>A on the plus strand (C>T on the coding strand, the complement: TRMT10A is on the minus strand). VCF-style: chr4-99558221-G-A. GRCh37 (hg19) VCF-style: chr4-100479378-G-A.
Other names: c.186-10C>T (NM_001134666.3, NM_001375882.1, NM_001375881.1 and 3 more transcripts).
Identifiers: ClinVar variation 1170075 (VCV001170075.10), dbSNP rs34135026, ClinGen allele CA3021610.